The following is an entry in ClinVar:

NM_015102.5(NPHP4):c.3977G>A (p.Arg1326His)

Gene: NPHP4 (nephrocystin 4; minus strand). Cytogenetic location: 1p36.31.
Variant type: single nucleotide variant.
Coding change: c.3977G>A on transcript NM_015102.5 (MANE Select); coding-DNA position 3977, G replaced by A.
Protein change: p.Arg1326His; replaces arginine 1326 with histidine.
Molecular consequence: missense variant. On other transcripts: non-coding transcript variant (1).
Genome position (GRCh38, 1-based): chr1:5,864,357, C>T on the plus strand (G>A on the coding strand, the complement: NPHP4 is on the minus strand). VCF-style: chr1-5864357-C-T. GRCh37 (hg19) VCF-style: chr1-5924417-C-T.
Other names: c.2438G>A, p.Arg813His (NM_001291593.2); c.2441G>A, p.Arg814His (NM_001291594.2); short protein forms R1326H, R813H, R814H.
Identifiers: ClinVar variation 1025374 (VCV001025374.9), dbSNP rs191062831, ClinGen allele CA553405.
Genomic context (GRCh38, chr1:5,864,357, plus strand): 5'-AGCCCCCATCCCCTCAGCCTGTGCCTGCCACACATACAGACCTTGGAGATGAGCGGCTGG[C>T]GGCAGCAGAGGCACACGAGCCAGGAGGCCACCAGCTGGTGGCAATCCACGTCCACCAGGT-3'
Protein context (NP_055917.1, residues 1316-1336): VASWLVCLCC[Arg1326His]QPLISKAFEI

ClinVar aggregate classification (germline): Uncertain significance. Review status: criteria provided, single submitter (1 of 4 stars). 2 submissions from 2 submitters: Uncertain significance (1). 1 of the submissions does not count toward it. Last evaluated 2020-01-27.

Conditions:
Nephronophthisis. Also called: Juvenile Nephronophthisis. Identifiers: Orphanet 655, MedGen C0687120, MONDO:0019005, HP:0000090.

Allele frequency attached by ClinVar (database versions not stated): gnomAD exomes 0.00002; 1000 Genomes Project 0.00040; 1000 Genomes Project 30x 0.00031.
gnomAD v4.1: 15 of 1,607,140 alleles (0.00093%); highest among the groups gnomAD compares: South Asian, 0.0055%; no homozygotes.

Submissions (2):

Labcorp Genetics (formerly Invitae), Labcorp
Classification: Uncertain significance for Nephronophthisis. Last evaluated: 2020-01-27. Review status: criteria provided, single submitter. Criteria: Invitae Variant Classification Sherloc (09022015). Collection method: clinical testing. Allele origin: germline.
Comment: In summary, the available evidence is currently insufficient to determine the role of this variant in disease. Therefore, it has been classified as a Variant of Uncertain Significance. Algorithms developed to predict the effect of missense changes on protein structure and function are either unavailable or do not agree on the potential impact of this missense change (SIFT: "Deleterious"; PolyPhen-2: "Possibly Damaging"; Align-GVGD: "Class C0"). This variant has not been reported in the literature in individuals with NPHP4-related conditions. This variant is present in population databases (rs191062831, ExAC 0.03%). This sequence change replaces arginine with histidine at codon 1326 of the NPHP4 protein (p.Arg1326His). The arginine residue is highly conserved and there is a small physicochemical difference between arginine and histidine.

Department of Pathology and Laboratory Medicine, Sinai Health System
Classification: Uncertain significance. Review status: no assertion criteria provided. Collection method: clinical testing. Allele origin: unknown. Affected: yes. Study: The Canadian Open Genetics Repository (COGR). Not counted in ClinVar's aggregate classification.
Comment: The NPHP4 p.Arg813His variant was not identified in the literature nor was it identified in ClinVar, Cosmic or LOVD 3.0. The variant was identified in dbSNP (ID: rs191062831) and in control databases in 5 of 240742 chromosomes at a frequency of 0.000021 (Genome Aggregation Database Feb 27, 2017). The variant was observed in the following populations: African in 2 of 14260 chromosomes (freq: 0.00014), East Asian in 1 of 17714 chromosomes (freq: 0.000056), South Asian in 1 of 29976 chromosomes (freq: 0.000033) and European (non-Finnish) in 1 of 108548 chromosomes (freq: 0.000009); it was not observed in the Latino, Ashkenazi Jewish, European (Finnish), and Other populations. The p.Arg813 residue is conserved in mammals but not distantly related organisms and computational analyses (PolyPhen-2, SIFT, AlignGVGD, BLOSUM, MutationTaster) provide inconsistent predictions regarding the impact to the protein. The variant occurs outside of the splicing consensus sequence and in silico or computational prediction software programs (SpliceSiteFinder, MaxEntScan, NNSPLICE, GeneSplicer) do not predict a difference in splicing. In summary, based on the above information the clinical significance of this variant cannot be determined with certainty at this time. This variant is classified as a variant of uncertain significance.